The following is an entry in ClinVar:

NM_000552.5(VWF):c.7887+2T>A

Gene: VWF (von Willebrand factor; minus strand). Cytogenetic location: 12p13.31.
Variant type: single nucleotide variant.
Coding change: c.7887+2T>A on transcript NM_000552.5 (MANE Select); the canonical splice donor site of the intron after coding-DNA position 7887, T replaced by A.
Molecular consequence: splice donor variant.
Genome position (GRCh38, 1-based): chr12:5,967,484, A>T on the plus strand (T>A on the coding strand, the complement: VWF is on the minus strand). VCF-style: chr12-5967484-A-T. GRCh37 (hg19) VCF-style: chr12-6076650-A-T.
Other names: p.?.
Identifiers: ClinVar variation 1065222 (VCV001065222.8), dbSNP rs113814258, ClinGen allele CA6401486.
Genomic context (GRCh38, chr12:5,967,484, plus strand): 5'-CCACTGCCTGGGTCCCACACGCGTCCAGTCCATGCCCTCGGTCCCCATTGAGCCTCTCTT[A>T]CCAGGGGGCAGGGGTTGCAGGTGGTCTTCCTGCACTCCAGCTTGAATCCAGAGATGACCC-3'

ClinVar aggregate classification (germline): Conflicting classifications of pathogenicity. Review status: criteria provided, conflicting classifications (1 of 4 stars). 5 submissions from 5 submitters: Likely pathogenic (1); Uncertain significance (3). 1 of the submissions does not count toward it. Last evaluated 2025-01-20.

Conditions:
Hereditary von Willebrand disease. Identifiers: Orphanet 903, MedGen C5703318, MONDO:0019565. Inheritance: Autosomal recessive or Autosomal dominant.
von Willebrand disease type 3 (VWD3). Also called: Type 3 Von Willebrand's disease; Type 3 VWD; Von Willebrand disease, severe form; V WD3; VON WILLEBRAND DISEASE, TYPE III. Identifiers: Orphanet 166096, MedGen C1264041, MONDO:0010191, OMIM 277480.
von Willebrand disease type 1 (VWD1). Also called: VON WILLEBRAND DISEASE, TYPE I; VWD, TYPE 1. Identifiers: Orphanet 166078, Orphanet 903, MedGen C1264039, MONDO:0008668, OMIM 193400. Inheritance: autosomal recessive or autosomal dominant.

Allele frequency attached by ClinVar (database versions not stated): ExAC 0.00001; TOPMed 0.00001; gnomAD 0.00002; gnomAD exomes 0.00002 and 0.00004.
gnomAD v4.1: 62 of 1,613,872 alleles (0.0038%); highest among the groups gnomAD compares: Non-Finnish European, 0.005%; no homozygotes.

Submissions (5):

Mayo Clinic Laboratories, Mayo Clinic
Classification: Uncertain significance. Last evaluated: 2025-01-20. Review status: criteria provided, single submitter. Criteria: ACMG Guidelines, 2015. Collection method: clinical testing. Allele origin: germline. Observed: 1 variant allele.
Comment: PM2_supporting, PVS1_strong

Women's Health and Genetics/Laboratory Corporation of America, LabCorp
Classification: Likely pathogenic for von Willebrand disorder. Last evaluated: 2023-10-24. Review status: criteria provided, single submitter. Criteria: LabCorp Variant Classification Summary - May 2015. Collection method: clinical testing. Allele origin: germline.
Comment: Variant summary: VWF c.7887+2T>A is located in a canonical splice-site and is predicted to affect mRNA splicing resulting in a significantly altered protein due to either exon skipping, shortening, or inclusion of intronic material. Several computational tools predict a significant impact on normal splicing: Four predict the variant abolishes a canonical 5' splicing donor site. However, these predictions have yet to be confirmed by functional studies. The variant allele was found at a frequency of 1.6e-05 in 251278 control chromosomes (gnomAD). To our knowledge, no occurrence of c.7887+2T>A in individuals affected with Von Willebrand Disease and no experimental evidence demonstrating its impact on protein function have been reported. Two submitters have cited clinical-significance assessments for this variant to ClinVar after 2014. Both submitters classified the variant as uncertain significance. Based on the evidence outlined above, the variant was classified as likely pathogenic.

GeneDx
Classification: Uncertain significance. Last evaluated: 2021-05-06. Review status: criteria provided, single submitter. Criteria: GeneDx Variant Classification Process June 2021. Collection method: clinical testing. Allele origin: germline. Affected: yes.
Comment: Canonical splice site variant expected to result in aberrant splicing, although in the absence of functional evidence the actual effect of this sequence change is unknown.; Has not been previously published as pathogenic or benign to our knowledge

ISTH-SSC Genomics in Thrombosis and Hemostasis, KU Leuven, Center for Molecular and Vascular Biology
Classification: Uncertain significance for von Willebrand disease type 1. Review status: criteria provided, single submitter. Criteria: ACMG Guidelines, 2015. Collection method: clinical testing. Allele origin: unknown. Affected: yes. Observed: 2 heterozygotes.
Comment: GoldVariant submitters: Dr Karyn Mégy ,NIHR Bioresource - Cambridge University, UK and Neil Morgan, Birmingham Platelet Group, Birmingham, UK

Angelo Bianchi Bonomi Hemophilia and Thrombosis Center, Fondazione IRCCS Ca Granda Ospedale Maggiore Policlinico
Classification: Uncertain significance for von Willebrand disease type 3. Last evaluated: 2020-11-01. Review status: no assertion criteria provided. Collection method: clinical testing. Allele origin: germline. Affected: yes. Study: Type 3 Von Willebrand International Registries Inhibitor Prospective Study (3WINTERS-IPS). Not counted in ClinVar's aggregate classification.
Comment: ClinGen Pathogenicity Calculator

Literature cited by the submitters: PubMed 34355501 (cited by ISTH-SSC Genomics in Thrombosis and Hemostasis, KU Leuven, Center for Molecular and Vascular Biology).